The following is an entry in ClinVar:

NM_032607.3(CREB3L3):c.241del (p.Ser81fs)

Gene: CREB3L3 (cAMP responsive element binding protein 3 like 3; plus strand). Cytogenetic location: 19p13.3.
Variant type: Deletion.
Coding change: c.241del on transcript NM_032607.3 (MANE Select); coding-DNA position 241, one base deleted (T; older notation c.241delT).
Protein change: p.Ser81fs; shifts the reading frame from serine 81.
Molecular consequence: frameshift variant.
Genome position (GRCh38, 1-based): chr19:4,157,079, T deleted. VCF-style (leftmost placement, unchanged base first): chr19-4157078-GT-G. GRCh37 (hg19) VCF-style: chr19-4157075-GT-G.
Other names: c.238del, p.Ser80fs (NM_001271995.2); c.241del, p.Ser81fs (NM_001271996.2, NM_001271997.2); short protein forms S81fs, S80fs.
Identifiers: ClinVar variation 2110424 (VCV002110424.4), dbSNP rs2512343670, ClinGen allele CA2580096991.

ClinVar aggregate classification (germline): Pathogenic (1 of 4 stars; one submission).

Submission:

Labcorp Genetics (formerly Invitae), Labcorp
Classification: Pathogenic. Last evaluated: 2022-03-12. Review status: criteria provided, single submitter. Criteria: Invitae Variant Classification Sherloc (09022015). Collection method: clinical testing. Allele origin: germline.
Comment: For these reasons, this variant has been classified as Pathogenic. This variant has not been reported in the literature in individuals affected with CREB3L3-related conditions. This variant is not present in population databases (gnomAD no frequency). This sequence change creates a premature translational stop signal (p.Ser81Profs*60) in the CREB3L3 gene. It is expected to result in an absent or disrupted protein product. Loss-of-function variants in CREB3L3 are known to be pathogenic (PMID: 21666694, 26427795).

Literature cited by the submitters: PubMed 21666694; PubMed 26427795.